The following is an entry in ClinVar:

ClinVar aggregate classification (germline): Uncertain significance. Review status: criteria provided, multiple submitters, no conflicts (2 of 4 stars). 3 submissions from 3 submitters: Uncertain significance (3). Last evaluated 2025-04-17.

Conditions:
Cardiovascular phenotype. Identifiers: MedGen CN230736.
Hereditary cancer-predisposing syndrome. Also called: Hereditary Cancer Syndrome; Hereditary neoplastic syndrome; Neoplastic Syndromes, Hereditary; Tumor predisposition. Identifiers: Orphanet 140162, MedGen C0027672, MeSH D009386, MONDO:0015356.

Allele frequency attached by ClinVar (database versions not stated): gnomAD exomes below 0.00001; ExAC 0.00001.
gnomAD v4.1: 1 of 1,613,378 alleles (0.000062%); highest among the groups gnomAD compares: Non-Finnish European, 0.000085%; no homozygotes.

Submissions (3):

Labcorp Genetics (formerly Invitae), Labcorp
Classification: Uncertain significance. Last evaluated: 2025-04-17. Review status: criteria provided, single submitter. Criteria: Invitae Variant Classification Sherloc (09022015). Collection method: clinical testing. Allele origin: germline.
Comment: This sequence change replaces serine, which is neutral and polar, with phenylalanine, which is neutral and non-polar, at codon 606 of the LZTR1 protein (p.Ser606Phe). This variant is present in population databases (rs777269581, gnomAD 0.0009%). This variant has not been reported in the literature in individuals affected with LZTR1-related conditions. ClinVar contains an entry for this variant (Variation ID: 1780689). Invitae Evidence Modeling of protein sequence and biophysical properties (such as structural, functional, and spatial information, amino acid conservation, physicochemical variation, residue mobility, and thermodynamic stability) indicates that this missense variant is not expected to disrupt LZTR1 protein function with a negative predictive value of 80%. In summary, the available evidence is currently insufficient to determine the role of this variant in disease. Therefore, it has been classified as a Variant of Uncertain Significance.

Ambry Genetics
Classification: Uncertain significance for Cardiovascular phenotype; Hereditary cancer-predisposing syndrome. Last evaluated: 2021-06-25. Review status: criteria provided, single submitter. Criteria: Ambry Variant Classification Scheme 2023. Collection method: clinical testing. Allele origin: germline.
Comment: The p.S606F variant (also known as c.1817C>T), located in coding exon 16 of the LZTR1 gene, results from a C to T substitution at nucleotide position 1817. The serine at codon 606 is replaced by phenylalanine, an amino acid with highly dissimilar properties. This amino acid position is highly conserved in available vertebrate species. In addition, this alteration is predicted to be deleterious by in silico analysis. Since supporting evidence is limited at this time, the clinical significance of this alteration remains unclear.

Blueprint Genetics
Classification: Uncertain significance. Last evaluated: 2019-06-13. Review status: criteria provided, single submitter. Criteria: ACMG Guidelines, 2015. Collection method: clinical testing. Allele origin: germline.

NM_006767.4(LZTR1):c.1817C>T (p.Ser606Phe)

Gene: LZTR1 (leucine zipper like post translational regulator 1; plus strand). Cytogenetic location: 22q11.21.
Variant type: single nucleotide variant.
Coding change: c.1817C>T on transcript NM_006767.4 (MANE Select); coding-DNA position 1817, C replaced by T.
Protein change: p.Ser606Phe; replaces serine 606 with phenylalanine.
Molecular consequence: missense variant.
Genome position (GRCh38, 1-based): chr22:20,994,901, C>T. VCF-style: chr22-20994901-C-T. GRCh37 (hg19) VCF-style: chr22-21349190-C-T.
Other names: short protein forms S606F.
Identifiers: ClinVar variation 1780689 (VCV001780689.4), dbSNP rs777269581, ClinGen allele CA10119078.